The following is an entry in ClinVar:

ClinVar aggregate classification (germline): Uncertain significance (1 of 4 stars; one submission).

Conditions:
Curry-Hall syndrome (WAD). Also called: WEYERS ACRODENTAL DYSOSTOSIS. Identifiers: Orphanet 952, MedGen C0457013, MONDO:0008673, OMIM 193530.
Ellis-van Creveld syndrome (EVC). Also called: EVC-Related Ellis-van Creveld Syndrome; EVC2-Related Ellis-van Creveld Syndrome; MESOECTODERMAL DYSPLASIA; Chondroectodermal dysplasia. Identifiers: Orphanet 289, MedGen C0013903, MONDO:0009162, OMIM 225500.

Submission:

Labcorp Genetics (formerly Invitae), Labcorp
Classification: Uncertain significance for Curry-Hall syndrome; Ellis-van Creveld syndrome. Last evaluated: 2023-02-05. Review status: criteria provided, single submitter. Criteria: Invitae Variant Classification Sherloc (09022015). Collection method: clinical testing. Allele origin: germline.
Comment: In summary, the available evidence is currently insufficient to determine the role of this variant in disease. Therefore, it has been classified as a Variant of Uncertain Significance. Algorithms developed to predict the effect of missense changes on protein structure and function are either unavailable or do not agree on the potential impact of this missense change (SIFT: "Deleterious"; PolyPhen-2: "Benign"; Align-GVGD: "Class C0"). This variant has not been reported in the literature in individuals affected with EVC2-related conditions. This variant is not present in population databases (gnomAD no frequency). This sequence change replaces serine, which is neutral and polar, with phenylalanine, which is neutral and non-polar, at codon 282 of the EVC2 protein (p.Ser282Phe).

NM_147127.5(EVC2):c.845C>T (p.Ser282Phe)

Gene: EVC2 (EvC ciliary complex subunit 2; minus strand). Cytogenetic location: 4p16.2.
Variant type: single nucleotide variant.
Coding change: c.845C>T on transcript NM_147127.5 (MANE Select); coding-DNA position 845, C replaced by T.
Protein change: p.Ser282Phe; replaces serine 282 with phenylalanine.
Molecular consequence: missense variant.
Genome position (GRCh38, 1-based): chr4:5,681,285, G>A on the plus strand (C>T on the coding strand, the complement: EVC2 is on the minus strand). VCF-style: chr4-5681285-G-A. GRCh37 (hg19) VCF-style: chr4-5683012-G-A.
Other names: c.605C>T, p.Ser202Phe (NM_001166136.2); short protein forms S202F, S282F.
Identifiers: ClinVar variation 2943164 (VCV002943164.3), dbSNP rs2475566011, ClinGen allele CA356145763.